The following is an entry in ClinVar:

ClinVar aggregate classification (germline): Benign. Review status: criteria provided, multiple submitters, no conflicts (2 of 4 stars). 2 submissions from 2 submitters: Benign (2). Last evaluated 2018-06-14.

Allele frequency attached by ClinVar (database versions not stated): gnomAD exomes 0.51156; gnomAD 0.51750 and 0.52183; TOPMed 0.52264; 1000 Genomes Project 30x 0.56512; 1000 Genomes Project 0.56849.
gnomAD v4.1: 506,758 of 987,228 alleles (51%); highest among the groups gnomAD compares: East Asian, 76%; 132,268 homozygotes.

Submissions (2):

GeneDx
Classification: Benign. Last evaluated: 2018-06-14. Review status: criteria provided, single submitter. Criteria: GeneDx Variant Classification (06012015). Collection method: clinical testing. Allele origin: germline. Affected: yes.
Comment: This variant is considered likely benign or benign based on one or more of the following criteria: it is a conservative change, it occurs at a poorly conserved position in the protein, it is predicted to be benign by multiple in silico algorithms, and/or has population frequency not consistent with disease.

Breakthrough Genomics
Classification: Benign. Review status: criteria provided, single submitter. Criteria: ACMG Guidelines, 2015. Collection method: not provided. Allele origin: germline. Inheritance: Autosomal dominant inheritance. Affected: yes.

NM_000093.5(COL5A1):c.2845-117A>G

Gene: COL5A1 (collagen type V alpha 1 chain; plus strand). Cytogenetic location: 9q34.3.
Variant type: single nucleotide variant.
Coding change: c.2845-117A>G on transcript NM_000093.5 (MANE Select); 117 bases into the intron before coding-DNA position 2845, A replaced by G.
Molecular consequence: intron variant.
Genome position (GRCh38, 1-based): chr9:134,796,731, A>G. VCF-style: chr9-134796731-A-G. GRCh37 (hg19) VCF-style: chr9-137688577-A-G.
Other names: c.2845-117A>G (NM_001278074.1).
Identifiers: ClinVar variation 672276 (VCV000672276.2), dbSNP rs3811161, ClinGen allele CA12975162.